The following is an entry in ClinVar:

NM_001376.5(DYNC1H1):c.11344A>G (p.Arg3782Gly)

Gene: DYNC1H1 (dynein cytoplasmic 1 heavy chain 1; plus strand). Cytogenetic location: 14q32.31.
Variant type: single nucleotide variant.
Coding change: c.11344A>G on transcript NM_001376.5 (MANE Select); coding-DNA position 11344, A replaced by G.
Protein change: p.Arg3782Gly; replaces arginine 3782 with glycine.
Molecular consequence: missense variant.
Genome position (GRCh38, 1-based): chr14:102,039,138, A>G. VCF-style: chr14-102039138-A-G. GRCh37 (hg19) VCF-style: chr14-102505475-A-G.
Other names: c.11344A>G (NM_001376.4); short protein forms R3782G.
Identifiers: ClinVar variation 1399635 (VCV001399635.7), dbSNP rs2152594974, ClinGen allele CA391033501.

ClinVar aggregate classification (germline): Uncertain significance. Review status: criteria provided, multiple submitters, no conflicts (2 of 4 stars). 2 submissions from 2 submitters: Uncertain significance (2). Last evaluated 2026-07-28.

Conditions:
Inborn genetic diseases. Identifiers: MedGen C0950123, MeSH D030342.
Charcot-Marie-Tooth disease axonal type 2O. Also called: CHARCOT-MARIE-TOOTH NEUROPATHY, AXONAL, TYPE 2O; CHARCOT-MARIE-TOOTH DISEASE, AXONAL, AUTOSOMAL DOMINANT, TYPE 2O; Charcot-Marie-Tooth Neuropathy Type 2O; Charcot-Marie-Tooth disease, axonal, type 20. Identifiers: Orphanet 284232, MedGen C3280220, MONDO:0013644, OMIM 614228.

Submissions (2):

Ambry Genetics
Classification: Uncertain significance for Inborn genetic diseases. Last evaluated: 2026-07-28. Review status: criteria provided, single submitter. Criteria: Ambry Variant Classification Scheme 2023. Collection method: clinical testing. Allele origin: germline.

Labcorp Genetics (formerly Invitae), Labcorp
Classification: Uncertain significance for Charcot-Marie-Tooth disease axonal type 2O. Last evaluated: 2021-12-11. Review status: criteria provided, single submitter. Criteria: Invitae Variant Classification Sherloc (09022015). Collection method: clinical testing. Allele origin: germline.
Comment: In summary, the available evidence is currently insufficient to determine the role of this variant in disease. Therefore, it has been classified as a Variant of Uncertain Significance. Advanced modeling of protein sequence and biophysical properties (such as structural, functional, and spatial information, amino acid conservation, physicochemical variation, residue mobility, and thermodynamic stability) performed at Invitae indicates that this missense variant is not expected to disrupt DYNC1H1 protein function. This variant has not been reported in the literature in individuals affected with DYNC1H1-related conditions. This variant is not present in population databases (gnomAD no frequency). This sequence change replaces arginine, which is basic and polar, with glycine, which is neutral and non-polar, at codon 3782 of the DYNC1H1 protein (p.Arg3782Gly).